The following is an entry in ClinVar:

NM_015570.4(AUTS2):c.660+10742G>C

Gene: AUTS2 (activator of transcription and developmental regulator AUTS2; plus strand). Cytogenetic location: 7q11.22.
Variant type: single nucleotide variant.
Coding change: c.660+10742G>C on transcript NM_015570.4 (MANE Select); 10742 bases into the intron after coding-DNA position 660, G replaced by C.
Molecular consequence: intron variant.
Genome position (GRCh38, 1-based): chr7:70,145,313, G>C. VCF-style: chr7-70145313-G-C. GRCh37 (hg19) VCF-style: chr7-69610299-G-C.
Other names: c.660+10742G>C (NM_001127231.3, NM_001127232.3).
Identifiers: ClinVar variation 2499042 (VCV002499042.28), dbSNP rs7787104, ClinGen allele CA160588833.

ClinVar aggregate classification (germline): Likely benign (1 of 4 stars; one submission).

Allele frequency attached by ClinVar (database versions not stated): 1000 Genomes Project 0.00100; 1000 Genomes Project 30x 0.00109; gnomAD 0.00241; TOPMed 0.00266.
gnomAD v4.1: 375 of 152,114 alleles (0.25%); highest among the groups gnomAD compares: Non-Finnish European, 0.44%; 1 homozygote.

Submission:

CeGaT Center for Human Genetics Tuebingen
Classification: Likely benign. Last evaluated: 2023-04-01. Review status: criteria provided, single submitter. Criteria: CeGaT Center For Human Genetics Tuebingen Variant Classification Criteria Version 2. Collection method: clinical testing. Allele origin: germline. Affected: yes. Observed: 5 variant alleles.
Comment: AUTS2: BS1